The following is an entry in ClinVar:

ClinVar aggregate classification (germline): Likely pathogenic (1 of 4 stars; one submission).

Conditions:
Niemann-Pick disease, type C2 (NPC2). Identifiers: Orphanet 646, MedGen C1843366, MONDO:0011873, OMIM 607625.

Submission:

Myriad Genetics, Inc.
Classification: Likely pathogenic for Niemann-Pick disease, type C2. Last evaluated: 2022-01-02. Review status: criteria provided, single submitter. Criteria: Myriad Women's Health Autosomal Recessive and X-Linked Classification Criteria (2021). Collection method: clinical testing. Allele origin: unknown.
Comment: NM_006432.3(NPC2):c.148_149delAG(S50Qfs*18) is expected to be pathogenic in the context of Niemann-Pick disease type C2. This variant is predicted to lead to an abnormal or absent protein product due to the creation of a premature termination codon in NPC2, a gene where loss-of-function variants are known to be pathogenic. Please note: this variant was assessed in the context of healthy population screening.

NM_006432.5(NPC2):c.148_149del (p.Ser50fs)

Gene: NPC2 (NPC intracellular cholesterol transporter 2; minus strand). Cytogenetic location: 14q24.3.
Variant type: Deletion.
Coding change: c.148_149del on transcript NM_006432.5 (MANE Select); coding-DNA positions 148 to 149, 2 bases deleted (AG; older notation c.148_149delAG).
Protein change: p.Ser50fs; shifts the reading frame from serine 50.
Molecular consequence: frameshift variant.
Genome position (GRCh38, 1-based): chr14:74,486,370-74,486,371, CT deleted on the plus strand (AG on the coding strand, the reverse complement: NPC2 is on the minus strand); deleting any 2 consecutive bases within chr14:74,486,370-74,486,372 gives the same sequence; the c. name uses the placement nearest the transcript's 3' end. VCF-style (leftmost placement, unchanged base first): chr14-74486369-GCT-G. GRCh37 (hg19) VCF-style: chr14-74953072-GCT-G.
Other names: c.148_149del, p.Ser50fs (NM_001363688.1, NM_001375440.1); short protein forms S50fs.
Identifiers: ClinVar variation 1726842 (VCV001726842.2), dbSNP rs2506107182, ClinGen allele CA2580088731.